The following is an entry in ClinVar:

ClinVar aggregate classification (germline): Benign (1 of 4 stars; one submission).

Allele frequency attached by ClinVar (database versions not stated): 1000 Genomes Project 30x 0.00531; 1000 Genomes Project 0.00599; TOPMed 0.00659; ESP Exome Variant Server 0.00758; gnomAD 0.00776; ExAC 0.00926; gnomAD exomes 0.00932.
gnomAD v4.1: 14,793 of 1,613,830 alleles (0.92%); highest among the groups gnomAD compares: Middle Eastern, 2.3%; 94 homozygotes.

Submission:

CeGaT Center for Human Genetics Tuebingen
Classification: Benign. Last evaluated: 2024-02-01. Review status: criteria provided, single submitter. Criteria: CeGaT Center For Human Genetics Tuebingen Variant Classification Criteria Version 2. Collection method: clinical testing. Allele origin: germline. Affected: yes. Observed: 1 variant allele.
Comment: SPATA31D1: BP4, BS1, BS2

NM_001001670.3(SPATA31D1):c.3515C>T (p.Thr1172Ile)

Gene: SPATA31D1 (SPATA31 subfamily D member 1; plus strand). Cytogenetic location: 9q21.32.
Variant type: single nucleotide variant.
Coding change: c.3515C>T on transcript NM_001001670.3 (MANE Select); coding-DNA position 3515, C replaced by T.
Protein change: p.Thr1172Ile; replaces threonine 1172 with isoleucine.
Molecular consequence: missense variant.
Genome position (GRCh38, 1-based): chr9:81,993,985, C>T. VCF-style: chr9-81993985-C-T. GRCh37 (hg19) VCF-style: chr9-84608900-C-T.
Other names: short protein forms T1172I.
Identifiers: ClinVar variation 3024789 (VCV003024789.22), dbSNP rs75742550, ClinGen allele CA5099533.
Genomic context (GRCh38, chr9:81,993,985, plus strand): 5'-CTCTTCAATCACAAACTAGGAACAACTTGACAACCAGCAAGTCAGGAAGCTGCTCACTGA[C>T]AAATGTGAAAGCAAGCACTTCCAATGAAACTGAAATTTTCCCACCAAGAATATCAGTTCC-3'
Protein context (NP_001001670.1, residues 1162-1182): TTSKSGSCSL[Thr1172Ile]NVKASTSNET